The following is an entry in ClinVar:

ClinVar aggregate classification (germline): Conflicting classifications of pathogenicity. Review status: criteria provided, conflicting classifications (1 of 4 stars). 7 submissions from 7 submitters: Uncertain significance (3); Likely benign (2). 2 of the submissions do not count toward it. Last evaluated 2025-12-06.

Conditions:
TCOF1-related disorder. Also called: TCOF1-related condition.
Inborn genetic diseases. Identifiers: MedGen C0950123, MeSH D030342.
Treacher Collins syndrome 1 (TCS1). Also called: TCOF1-Related Treacher Collins Syndrome. Identifiers: Orphanet 861, MedGen CN315775, MONDO:0007944, OMIM 154500.

Allele frequency attached by ClinVar (database versions not stated): gnomAD 0.00005; gnomAD exomes 0.00005 and 0.00008; ExAC 0.00006.
gnomAD v4.1: 122 of 1,613,874 alleles (0.0076%); highest among the groups gnomAD compares: Admixed American, 0.013%; no homozygotes.

Submissions (7):

GeneDx
Classification: Uncertain significance. Last evaluated: 2025-12-06. Review status: criteria provided, single submitter. Criteria: GeneDx Variant Classification Process June 2021. Collection method: clinical testing. Allele origin: germline. Affected: yes.
Comment: In silico analysis supports that this missense variant has a deleterious effect on protein structure/function; Has not been previously published as pathogenic or benign to our knowledge

Ambry Genetics
Classification: Uncertain significance for Inborn genetic diseases. Last evaluated: 2024-01-09. Review status: criteria provided, single submitter. Criteria: Ambry Variant Classification Scheme 2023. Collection method: clinical testing. Allele origin: germline.

PreventionGenetics, part of Exact Sciences
Classification: Uncertain significance for TCOF1-related condition. Last evaluated: 2022-08-24. Review status: criteria provided, single submitter. Criteria: ACMG Guidelines, 2015. Collection method: clinical testing. Allele origin: germline.
Comment: The TCOF1 c.1124C>T variant is predicted to result in the amino acid substitution p.Ser375Leu. To our knowledge, this variant has not been reported in the literature. This variant is reported in 0.0085% of alleles in individuals of Latino descent in gnomAD. At this time, the clinical significance of this variant is uncertain due to the absence of conclusive functional and genetic evidence.

CeGaT Center for Human Genetics Tuebingen
Classification: Likely benign. Last evaluated: 2022-08-01. Review status: criteria provided, single submitter. Criteria: CeGaT Center For Human Genetics Tuebingen Variant Classification Criteria Version 2. Collection method: clinical testing. Allele origin: germline. Affected: yes. Observed: 1 variant allele.
Comment: TCOF1: BP4, BS1

Labcorp Genetics (formerly Invitae), Labcorp
Classification: Likely benign for Treacher Collins syndrome 1. Last evaluated: 2022-02-05. Review status: criteria provided, single submitter. Criteria: Invitae Variant Classification Sherloc (09022015). Collection method: clinical testing. Allele origin: germline.

Joint Genome Diagnostic Labs from Nijmegen and Maastricht, Radboudumc and MUMC+
Classification: Uncertain significance. Review status: no assertion criteria provided. Collection method: clinical testing. Allele origin: germline. Affected: yes. Study: VKGL Data-share Consensus. Not counted in ClinVar's aggregate classification.

Laboratory of Diagnostic Genome Analysis, Leiden University Medical Center (LUMC)
Classification: Uncertain significance. Review status: no assertion criteria provided. Collection method: clinical testing. Allele origin: germline. Affected: yes. Study: VKGL Data-share Consensus. Not counted in ClinVar's aggregate classification.

NM_001371623.1(TCOF1):c.1124C>T (p.Ser375Leu)

Gene: TCOF1 (treacle ribosome biogenesis factor 1; plus strand). Cytogenetic location: 5q32.
Variant type: single nucleotide variant.
Coding change: c.1124C>T on transcript NM_001371623.1 (MANE Select); coding-DNA position 1124, C replaced by T.
Protein change: p.Ser375Leu; replaces serine 375 with leucine.
Molecular consequence: missense variant.
Genome position (GRCh38, 1-based): chr5:150,374,657, C>T. VCF-style: chr5-150374657-C-T. GRCh37 (hg19) VCF-style: chr5-149754220-C-T.
Other names: c.893C>T, p.Ser298Leu (NM_000356.4, NM_001135245.2); c.1124C>T, p.Ser375Leu (NM_001008657.3, NM_001135243.2, NM_001135244.2 and 1 more transcripts); short protein forms S298L, S375L.
Identifiers: ClinVar variation 1206122 (VCV001206122.43), dbSNP rs756584594, ClinGen allele CA3510766.